The following is an entry in ClinVar:

ClinVar aggregate classification (germline): Conflicting classifications of pathogenicity. Review status: criteria provided, conflicting classifications (1 of 4 stars). 2 submissions from 2 submitters: Uncertain significance (1); Likely benign (1). Last evaluated 2025-08-15.

Conditions:
PCNT-related disorder. Also called: PCNT-related condition.

Allele frequency attached by ClinVar (database versions not stated): ExAC 0.00007; ESP Exome Variant Server 0.00008; gnomAD 0.00004; 1000 Genomes Project 30x 0.00016.
gnomAD v4.1: 65 of 1,414,956 alleles (0.0046%); highest among the groups gnomAD compares: Admixed American, 0.0056%; no homozygotes.

Submissions (2):

Labcorp Genetics (formerly Invitae), Labcorp
Classification: Likely benign. Last evaluated: 2025-08-15. Review status: criteria provided, single submitter. Criteria: Invitae Variant Classification Sherloc (09022015). Collection method: clinical testing. Allele origin: germline.

PreventionGenetics, part of Exact Sciences
Classification: Uncertain significance for PCNT-related condition. Last evaluated: 2023-01-09. Review status: criteria provided, single submitter. Criteria: ACMG Guidelines, 2015. Collection method: clinical testing. Allele origin: germline.
Comment: The PCNT c.720+10C>T variant is predicted to interfere with splicing. To our knowledge, this variant has not been reported in the literature. This variant is reported in 0.0097% of alleles in individuals of European (Non-Finnish) descent in gnomAD. However, the use of computer prediction programs is not equivalent to functional evidence, and therefore the clinical significance of this variant is uncertain.

NM_006031.6(PCNT):c.720+10C>T

Gene: PCNT (pericentrin; plus strand). Cytogenetic location: 21q22.3.
Variant type: single nucleotide variant.
Coding change: c.720+10C>T on transcript NM_006031.6 (MANE Select); 10 bases into the intron after coding-DNA position 720, C replaced by T.
Molecular consequence: intron variant.
Genome position (GRCh38, 1-based): chr21:46,346,218, C>T. VCF-style: chr21-46346218-C-T. GRCh37 (hg19) VCF-style: chr21-47766132-C-T.
Other names: c.366+10C>T (NM_001315529.2).
Identifiers: ClinVar variation 2635701 (VCV002635701.4), dbSNP rs377749878, ClinGen allele CA10078372.